The following is an entry in ClinVar:

NM_005732.4(RAD50):c.712A>C (p.Lys238Gln)

Gene: RAD50 (RAD50 double strand break repair protein; plus strand). Cytogenetic location: 5q31.1.
Variant type: single nucleotide variant.
Coding change: c.712A>C on transcript NM_005732.4 (MANE Select); coding-DNA position 712, A replaced by C.
Protein change: p.Lys238Gln; replaces lysine 238 with glutamine.
Molecular consequence: missense variant.
Genome position (GRCh38, 1-based): chr5:132,580,022, A>C. VCF-style: chr5-132580022-A-C. GRCh37 (hg19) VCF-style: chr5-131915714-A-C.
Other names: short protein forms K238Q.
Identifiers: ClinVar variation 1039197 (VCV001039197.9), dbSNP rs1750477892, ClinGen allele CA360936890.

ClinVar aggregate classification (germline): Uncertain significance (1 of 4 stars; one submission).

Conditions:
Hereditary cancer-predisposing syndrome. Also called: Neoplastic Syndromes, Hereditary; Hereditary Cancer Syndrome; Tumor predisposition; Hereditary neoplastic syndrome. Identifiers: Orphanet 140162, MedGen C0027672, MeSH D009386, MONDO:0015356.

Submission:

Labcorp Genetics (formerly Invitae), Labcorp
Classification: Uncertain significance for Hereditary cancer-predisposing syndrome. Last evaluated: 2020-09-20. Review status: criteria provided, single submitter. Criteria: Invitae Variant Classification Sherloc (09022015). Collection method: clinical testing. Allele origin: germline.
Comment: This sequence change replaces lysine with glutamine at codon 238 of the RAD50 protein (p.Lys238Gln). The lysine residue is moderately conserved and there is a small physicochemical difference between lysine and glutamine. This variant is not present in population databases (ExAC no frequency). This variant has not been reported in the literature in individuals with RAD50-related conditions. Algorithms developed to predict the effect of missense changes on protein structure and function output the following: SIFT: "Tolerated"; PolyPhen-2: "Benign"; Align-GVGD: "Class C0". The glutamine amino acid residue is found in multiple mammalian species, suggesting that this missense change does not adversely affect protein function. These predictions have not been confirmed by published functional studies and their clinical significance is uncertain. Algorithms developed to predict the effect of sequence changes on RNA splicing suggest that this variant may create or strengthen a splice site, but this prediction has not been confirmed by published transcriptional studies. In summary, the available evidence is currently insufficient to determine the role of this variant in disease. Therefore, it has been classified as a Variant of Uncertain Significance.